The following is an entry in ClinVar:

ClinVar aggregate classification (germline): Likely benign. Review status: criteria provided, multiple submitters, no conflicts (2 of 4 stars). 3 submissions from 3 submitters: Likely benign (2). 1 of the submissions does not count toward it. Last evaluated 2024-07-19.

Conditions:
DiGeorge syndrome. Also called: Catch22; THIRD AND FOURTH PHARYNGEAL POUCH SYNDROME. Identifiers: Orphanet 567, MedGen C0012236, MONDO:0008564, OMIM 188400.
TBX1-related disorder. Also called: TBX1-related condition; TBX1-Related Disorders.
Cardiovascular phenotype. Identifiers: MedGen CN230736.

Allele frequency attached by ClinVar (database versions not stated): gnomAD 0.00002 and 0.00003; TOPMed 0.00002; gnomAD exomes 0.00004 and 0.00005; ExAC 0.00006; 1000 Genomes Project 0.00060; 1000 Genomes Project 30x 0.00062.
gnomAD v4.1: 56 of 1,614,194 alleles (0.0035%); highest among the groups gnomAD compares: East Asian, 0.065%; no homozygotes.

Submissions (3):

Labcorp Genetics (formerly Invitae), Labcorp
Classification: Likely benign for DiGeorge syndrome. Last evaluated: 2024-07-19. Review status: criteria provided, single submitter. Criteria: Invitae Variant Classification Sherloc (09022015). Collection method: clinical testing. Allele origin: germline.

Ambry Genetics
Classification: Likely benign for Cardiovascular phenotype. Last evaluated: 2022-10-27. Review status: criteria provided, single submitter. Criteria: Ambry Variant Classification Scheme 2023. Collection method: clinical testing. Allele origin: germline.

PreventionGenetics, part of Exact Sciences
Classification: Likely benign for TBX1-related condition. Last evaluated: 2022-12-06. Review status: no assertion criteria provided. Collection method: clinical testing. Allele origin: germline. Not counted in ClinVar's aggregate classification.
Comment: This variant is classified as likely benign based on ACMG/AMP sequence variant interpretation guidelines (Richards et al. 2015 PMID: 25741868, with internal and published modifications).

NM_001379200.1(TBX1):c.753C>T (p.His251=)

Gene: TBX1 (T-box transcription factor 1; plus strand). Cytogenetic location: 22q11.21.
Variant type: single nucleotide variant.
Coding change: c.753C>T on transcript NM_001379200.1 (MANE Select); coding-DNA position 753, C replaced by T.
Protein change: p.His251=; no amino-acid change (histidine 251 retained).
Molecular consequence: synonymous variant.
Genome position (GRCh38, 1-based): chr22:19,764,999, C>T. VCF-style: chr22-19764999-C-T. GRCh37 (hg19) VCF-style: chr22-19752522-C-T.
Other names: c.726C>T, p.His242= (NM_005992.1, NM_080646.2, NM_080647.1).
Identifiers: ClinVar variation 725221 (VCV000725221.9), dbSNP rs201412495, ClinGen allele CA10102552.